The following is an entry in ClinVar:

ClinVar aggregate classification (germline): Uncertain significance (1 of 4 stars; one submission).

Conditions:
Hereditary cancer-predisposing syndrome. Also called: Hereditary Cancer Syndrome; Hereditary neoplastic syndrome; Neoplastic Syndromes, Hereditary; Tumor predisposition. Identifiers: Orphanet 140162, MedGen C0027672, MeSH D009386, MONDO:0015356.

Submission:

Ambry Genetics
Classification: Uncertain significance for Hereditary cancer-predisposing syndrome. Last evaluated: 2022-04-21. Review status: criteria provided, single submitter. Criteria: Ambry Variant Classification Scheme 2023. Collection method: clinical testing. Allele origin: germline.
Comment: The c.624_625delGCinsAA variant (also known as p.P209T), located in coding exon 6 of the SDHB gene, results from an in-frame deletion of GC and insertion of AA at nucleotide positions 624 to 625. This results in the substitution of the proline residue for a threonine residue at codon 209, an amino acid with highly similar properties. This amino acid position is highly conserved in available vertebrate species. In addition, this alteration is predicted to be deleterious by in silico analysis (Choi Y et al. PLoS ONE. 2012; 7(10):e46688). Since supporting evidence is limited at this time, the clinical significance of this alteration remains unclear.

NM_003000.3(SDHB):c.624_625delinsAA (p.Pro209Thr)

Gene: SDHB (succinate dehydrogenase complex iron sulfur subunit B; minus strand). Cytogenetic location: 1p36.13.
Variant type: Indel.
Coding change: c.624_625delinsAA on transcript NM_003000.3 (MANE Select); coding-DNA positions 624 to 625, GC replaced by AA.
Protein change: p.Pro209Thr; replaces proline 209 with threonine.
Molecular consequence: missense variant.
Genome position (GRCh38, 1-based): chr1:17,023,990-17,023,991, GC replaced by TT on the plus strand (GC replaced by AA on the coding strand, the reverse complement: SDHB is on the minus strand). VCF-style: chr1-17023990-GC-TT. GRCh37 (hg19) VCF-style: chr1-17350485-GC-TT.
Other names: c.570_571delGCinsAA, p.Pro191Thr (NM_001407361.1); short protein forms P191T, P209T.
Identifiers: ClinVar variation 1752386 (VCV001752386.2), dbSNP rs2525008713, ClinGen allele CA2580060636.